The following is an entry in ClinVar:

ClinVar aggregate classification (germline): Uncertain significance. Review status: criteria provided, multiple submitters, no conflicts (2 of 4 stars). 2 submissions from 2 submitters: Uncertain significance (2). Last evaluated 2022-02-20.

Conditions:
Inborn genetic diseases. Identifiers: MedGen C0950123, MeSH D030342.

Allele frequency attached by ClinVar (database versions not stated): 1000 Genomes Project 30x 0.00016; 1000 Genomes Project 0.00020.
gnomAD v4.1: 17 of 1,462,282 alleles (0.0012%); highest among the groups gnomAD compares: Middle Eastern, 0.018%; no homozygotes.

Submissions (2):

Labcorp Genetics (formerly Invitae), Labcorp
Classification: Uncertain significance. Last evaluated: 2022-02-20. Review status: criteria provided, single submitter. Criteria: Invitae Variant Classification Sherloc (09022015). Collection method: clinical testing. Allele origin: germline.
Comment: This sequence change replaces tyrosine, which is neutral and polar, with cysteine, which is neutral and slightly polar, at codon 472 of the MBTPS1 protein (p.Tyr472Cys). The frequency data for this variant in the population databases is considered unreliable, as metrics indicate poor data quality at this position in the gnomAD database. This variant has not been reported in the literature in individuals affected with MBTPS1-related conditions. Algorithms developed to predict the effect of missense changes on protein structure and function are either unavailable or do not agree on the potential impact of this missense change (SIFT: "Deleterious"; PolyPhen-2: "Probably Damaging"; Align-GVGD: "Class C0"). In summary, the available evidence is currently insufficient to determine the role of this variant in disease. Therefore, it has been classified as a Variant of Uncertain Significance.

Ambry Genetics
Classification: Uncertain significance for Inborn genetic diseases. Last evaluated: 2021-07-20. Review status: criteria provided, single submitter. Criteria: Ambry Variant Classification Scheme 2023. Collection method: clinical testing. Allele origin: germline.

NM_003791.4(MBTPS1):c.1415A>G (p.Tyr472Cys)

Gene: MBTPS1 (membrane bound transcription factor peptidase, site 1; minus strand). Cytogenetic location: 16q23.3.
Variant type: single nucleotide variant.
Coding change: c.1415A>G on transcript NM_003791.4 (MANE Select); coding-DNA position 1415, A replaced by G.
Protein change: p.Tyr472Cys; replaces tyrosine 472 with cysteine.
Molecular consequence: missense variant.
Genome position (GRCh38, 1-based): chr16:84,081,780, T>C on the plus strand (A>G on the coding strand, the complement: MBTPS1 is on the minus strand). VCF-style: chr16-84081780-T-C. GRCh37 (hg19) VCF-style: chr16-84115385-T-C.
Other names: short protein forms Y472C.
Identifiers: ClinVar variation 1944979 (VCV001944979.5), dbSNP rs547430746, ClinGen allele CA8201334.